The following is an entry in ClinVar:

ClinVar aggregate classification (germline): Pathogenic (1 of 4 stars; one submission).

Submission:

Labcorp Genetics (formerly Invitae), Labcorp
Classification: Pathogenic. Last evaluated: 2025-08-30. Review status: criteria provided, single submitter. Criteria: Invitae Variant Classification Sherloc (09022015). Collection method: clinical testing. Allele origin: germline.
Comment: This sequence change creates a premature translational stop signal (p.Ser311Lysfs*4) in the CTNNA1 gene. It is expected to result in an absent or disrupted protein product. Loss-of-function variants in CTNNA1 are known to be pathogenic (PMID: 32051609, 34425242). This variant is not present in population databases (gnomAD no frequency). This variant has not been reported in the literature in individuals affected with CTNNA1-related conditions. For these reasons, this variant has been classified as Pathogenic.

Literature cited by the submitters: PubMed 32051609; PubMed 34425242.

NM_001903.5(CTNNA1):c.931dup (p.Ser311fs)

Gene: CTNNA1 (catenin alpha 1; plus strand). Cytogenetic location: 5q31.2.
Variant type: Duplication.
Coding change: c.931dup on transcript NM_001903.5 (MANE Select); coding-DNA position 931, one base duplicated (A; older notation c.931dupA).
Protein change: p.Ser311fs; shifts the reading frame from serine 311.
Molecular consequence: frameshift variant.
Genome position (GRCh38, 1-based): chr5:138,827,587, A duplicated; the last of 3 consecutive A bases (chr5:138,827,585-138,827,587); duplicating any one gives the same sequence. VCF-style (leftmost placement, unchanged base first): chr5-138827584-G-GA. GRCh37 (hg19) VCF-style: chr5-138163273-G-GA.
Other names: c.931dup, p.Ser311fs (NM_001290307.3, NM_001323982.2, NM_001323983.1 and 3 more transcripts); c.622dup, p.Ser208fs (NM_001290309.3); c.562dup, p.Ser188fs (NM_001290310.3); short protein forms S188fs, S208fs, S311fs.
Identifiers: ClinVar variation 4726311 (VCV004726311.1).